The following is an entry in ClinVar:

NM_000256.3(MYBPC3):c.2249C>T (p.Thr750Met)

Gene: MYBPC3 (myosin binding protein C3; minus strand). Cytogenetic location: 11p11.2.
Variant type: single nucleotide variant.
Coding change: c.2249C>T on transcript NM_000256.3 (MANE Select); coding-DNA position 2249, C replaced by T.
Protein change: p.Thr750Met; replaces threonine 750 with methionine.
Molecular consequence: missense variant.
Genome position (GRCh38, 1-based): chr11:47,338,579, G>A on the plus strand (C>T on the coding strand, the complement: MYBPC3 is on the minus strand). VCF-style: chr11-47338579-G-A. GRCh37 (hg19) VCF-style: chr11-47360130-G-A.
Other names: short protein forms T750M.
Identifiers: ClinVar variation 164086 (VCV000164086.27), dbSNP rs727503189, ClinGen allele CA011943.
Genomic context (GRCh38, chr11:47,338,579, plus strand): 5'-CCGATGACCTTGACTGTGAGGTTGACCTGGTCCTCGCCCACAGGGTTCTTCACTGTGACC[G>A]TGTAGACGCCCTCATCTTCCTTCTCTGCCCCCTCGACCGTGAAGATGCTGCGGTCCTTGG-3'
Protein context (NP_000247.2, residues 740-760): GAEKEDEGVY[Thr750Met]VTVKNPVGED

ClinVar aggregate classification (germline): Conflicting classifications of pathogenicity. Review status: criteria provided, conflicting classifications (1 of 4 stars). 9 submissions from 9 submitters: Likely pathogenic (1); Uncertain significance (7); Likely benign (1). Last evaluated 2026-07-07.

Conditions:
Cardiovascular phenotype. Identifiers: MedGen CN230736.
MYBPC3-related disorder. Also called: MYBPC3-related disorders; MYBPC3-related condition; MYBPC3-related disease.
Hypertrophic cardiomyopathy 4. Also called: Familial hypertrophic cardiomyopathy 4. Identifiers: MedGen C1861862, MONDO:0007268, OMIM 115197.
Left ventricular noncompaction 10 (LVNC10). Identifiers: Orphanet 154, Orphanet 54260, MedGen C3715165, MONDO:0014163, OMIM 615396.
Cardiomyopathy (CMYO). Also called: Cardiomyopathies. Identifiers: Orphanet 167848, MedGen C0878544, MONDO:0004994, HP:0001638. Inheritance: Various modes of inheritance.
Hypertrophic cardiomyopathy. Also called: HYPERTROPHIC MYOCARDIOPATHY. Identifiers: Orphanet 217569, MedGen C0007194, MeSH D002312, MONDO:0005045, HP:0001639.

Allele frequency attached by ClinVar (database versions not stated): gnomAD 0.00003; gnomAD exomes 0.00004 and 0.00003; TOPMed 0.00003; ExAC 0.00002.
gnomAD v4.1: 62 of 1,613,924 alleles (0.0038%); highest among the groups gnomAD compares: South Asian, 0.0066%; no homozygotes.

Submissions (9):

Ambry Genetics
Classification: Uncertain significance for Cardiovascular phenotype. Last evaluated: 2026-07-07. Review status: criteria provided, single submitter. Criteria: Ambry Variant Classification Scheme 2023. Collection method: clinical testing. Allele origin: germline.
Comment: The p.T750M variant (also known as c.2249C>T), located in coding exon 23 of the MYBPC3 gene, results from a C to T substitution at nucleotide position 2249. The threonine at codon 750 is replaced by methionine, an amino acid with similar properties. This variant has been detected in hypertrophic cardiomyopathy (HCM) cohorts and cohorts referred for HCM genetic testing; however, details were limited (Berge KE et al. Clin Genet, 2014 Oct;86:355-60; Walsh R et al. Genet Med, 2017 02;19:192-203). This amino acid position is poorly conserved in available vertebrate species. In addition, this alteration is predicted to be tolerated by in silico analysis. Based on the available evidence, the clinical significance of this variant remains unclear.

Labcorp Genetics (formerly Invitae), Labcorp
Classification: Likely pathogenic for Hypertrophic cardiomyopathy. Last evaluated: 2025-11-01. Review status: criteria provided, single submitter. Criteria: Invitae Variant Classification Sherloc (09022015). Collection method: clinical testing. Allele origin: germline.
Comment: This sequence change replaces threonine, which is neutral and polar, with methionine, which is neutral and non-polar, at codon 750 of the MYBPC3 protein (p.Thr750Met). This variant is present in population databases (rs727503189, gnomAD 0.01%). This missense change has been observed in individuals with hypertrophic cardiomyopathy (PMID: 24111713, 27532257, 37652022; internal data). ClinVar contains an entry for this variant (Variation ID: 164086). An algorithm developed to predict the effect of missense changes on protein structure and function (PolyPhen-2) suggests that this variant is likely to be tolerated. In summary, the currently available evidence indicates that the variant is pathogenic, but additional data are needed to prove that conclusively. Therefore, this variant has been classified as Likely Pathogenic.

Color Diagnostics, LLC DBA Color Health
Classification: Uncertain significance for Cardiomyopathy. Last evaluated: 2025-07-01. Review status: criteria provided, single submitter. Criteria: ACMG Guidelines, 2015. Collection method: clinical testing. Allele origin: germline.
Comment: This missense variant replaces threonine with methionine at codon 750 of the MYBPC3 protein. Computational prediction is inconclusive regarding the impact of this variant on protein structure and function. To our knowledge, functional studies have not been reported for this variant. This variant has been reported in six individuals affected with hypertrophic cardiomyopathy (PMID: 22267749, 24111713, 27532257, 37652022ClinVar Variation ID: 164086). This variant has been identified in 8/280596 chromosomes in the general population by the Genome Aggregation Database (gnomAD). The available evidence is insufficient to determine the role of this variant in disease conclusively. Therefore, this variant is classified as a Variant of Uncertain Significance.

PreventionGenetics, part of Exact Sciences
Classification: Uncertain significance for MYBPC3-related condition. Last evaluated: 2025-05-25. Review status: criteria provided, single submitter. Criteria: ACMG Guidelines, 2015. Collection method: clinical testing. Allele origin: germline.
Comment: The MYBPC3 c.2249C>T variant is predicted to result in the amino acid substitution p.Thr750Met. This variant was reported in individuals with hypertrophic cardiomyopathy (Berge et al. 2014. PubMed ID: 24111713; Table S1A, Walsh et al. 2016. PubMed ID: 27532257; Table S2, Stava et al. 2022. PubMed ID: 35653365; Table S8, McGurk et al. 2023. PubMed ID: 37652022). This variant is reported in 0.0098% of alleles in individuals of South Asian descent in gnomAD. At this time, the clinical significance of this variant is uncertain due to the absence of conclusive functional and genetic evidence.

GeneDx
Classification: Uncertain significance. Last evaluated: 2025-04-25. Review status: criteria provided, single submitter. Criteria: GeneDx Variant Classification Process June 2021. Collection method: clinical testing. Allele origin: germline.
Comment: In silico analysis indicates that this missense variant does not alter protein structure/function; This variant is associated with the following publications: (PMID: 27532257, 34097875, 35653365, 22267749, 24111713, 37652022, 33432171)

All of Us Research Program, National Institutes of Health
Classification: Uncertain significance for Hypertrophic cardiomyopathy. Last evaluated: 2024-09-23. Review status: criteria provided, single submitter. Criteria: ACMG Guidelines, 2015. Collection method: clinical testing. Allele origin: germline. Inheritance: Autosomal dominant inheritance. Observed: 11 variant alleles, 11 heterozygotes.
Comment: This missense variant replaces threonine with methionine at codon 750 of the MYBPC3 protein. Computational prediction is inconclusive regarding the impact of this variant on protein structure and function (internally defined REVEL score threshold 0.5 < inconclusive < 0.7, PMID: 27666373). To our knowledge, functional studies have not been reported for this variant. This variant has been reported in six individuals affected with hypertrophic cardiomyopathy (PMID: 22267749, 24111713, 27532257, ClinVar SCV000198863.5) ). This variant has been identified in 8/280596 chromosomes in the general population by the Genome Aggregation Database (gnomAD). The available evidence is insufficient to determine the role of this variant in disease conclusively. Therefore, this variant is classified as a Variant of Uncertain Significance.

This study involves interpretation of variants in research participants for the purpose of population health screening. Participant phenotype was not available at the time of variant classification. Additional details can be found in publication PMID: 35346344, PMCID: PMC8962531

Blueprint Genetics
Classification: Likely benign. Last evaluated: 2024-03-26. Review status: criteria provided, single submitter. Criteria: ACMG Guidelines, 2015. Collection method: clinical testing. Allele origin: germline.

Fulgent Genetics
Classification: Uncertain significance for Hypertrophic cardiomyopathy 4; Left ventricular noncompaction 10. Last evaluated: 2022-02-18. Review status: criteria provided, single submitter. Criteria: ACMG Guidelines, 2015. Collection method: clinical testing. Allele origin: unknown.

Laboratory for Molecular Medicine, Mass General Brigham Personalized Medicine
Classification: Uncertain significance. Last evaluated: 2019-08-29. Review status: criteria provided, single submitter. Criteria: LMM Criteria. Collection method: clinical testing. Allele origin: germline. Observed: 2 variant alleles.
Comment: The p.Thr750Met variant in MYBPC3 has previously been reported in 5 individuals with HCM (Page 2012, Berge 2014, LMM data). This variant has also been identified in 0.01% (3/30602) of South Asian chromosomes by gnomAD and reported in ClinVar (Variation ID #164086). Computational prediction tools and conservation analyses suggest that this variant may not impact the protein, though this information is not predictive enough to rule out pathogenicity. In summary, the clinical significance of this variant is uncertain. ACMG/AMP Criteria applied: BP4, .

Literature cited by the submitters: PubMed 24111713 (cited by 5 submitters); PubMed 27532257 (cited by 4 submitters); PubMed 33432171 (cited by Ambry Genetics); PubMed 35653365 (cited by Ambry Genetics); PubMed 37652022 (cited by Labcorp Genetics (formerly Invitae), Labcorp and Color Diagnostics, LLC DBA Color Health); PubMed 22267749 (cited by 3 submitters).